The following is an entry in ClinVar:

ClinVar aggregate classification (germline): Pathogenic (1 of 4 stars; one submission).

Submission:

Labcorp Genetics (formerly Invitae), Labcorp
Classification: Pathogenic. Last evaluated: 2025-08-31. Review status: criteria provided, single submitter. Criteria: Invitae Variant Classification Sherloc (09022015). Collection method: clinical testing. Allele origin: germline.
Comment: This sequence change creates a premature translational stop signal (p.Ala216Profs*22) in the PRPF31 gene. It is expected to result in an absent or disrupted protein product. Loss-of-function variants in PRPF31 are known to be pathogenic (PMID: 18317597, 23950152). This variant is not present in population databases (gnomAD no frequency). This variant has not been reported in the literature in individuals affected with PRPF31-related conditions. For these reasons, this variant has been classified as Pathogenic.

Literature cited by the submitters: PubMed 18317597; PubMed 23950152.

NM_015629.4(PRPF31):c.646_649del (p.Ala216fs)

Gene: PRPF31 (pre-mRNA processing factor 31; plus strand). Cytogenetic location: 19q13.42.
Variant type: Deletion.
Coding change: c.646_649del on transcript NM_015629.4 (MANE Select); coding-DNA positions 646 to 649, 4 bases deleted (GCAC; older notation c.646_649delGCAC).
Protein change: p.Ala216fs; shifts the reading frame from alanine 216.
Molecular consequence: frameshift variant.
Genome position (GRCh38, 1-based): chr19:54,123,867-54,123,870, GCAC deleted; deleting any 4 consecutive bases within chr19:54,123,866-54,123,870 gives the same sequence; the c. name uses the placement nearest the transcript's 3' end. VCF-style (leftmost placement, unchanged base first): chr19-54123865-TCGCA-T. GRCh37 (hg19) VCF-style: chr19-54627244-TCGCA-T.
Other names: short protein forms A216fs.
Identifiers: ClinVar variation 4726421 (VCV004726421.1).